The following is an entry in ClinVar:

NM_020975.6(RET):c.2617C>T (p.Arg873Trp)

Gene: RET (ret proto-oncogene; plus strand). Cytogenetic location: 10q11.21.
Variant type: single nucleotide variant.
Coding change: c.2617C>T on transcript NM_020975.6 (MANE Select); coding-DNA position 2617, C replaced by T.
Protein change: p.Arg873Trp; replaces arginine 873 with tryptophan.
Molecular consequence: missense variant.
Genome position (GRCh38, 1-based): chr10:43,120,090, C>T. VCF-style: chr10-43120090-C-T. GRCh37 (hg19) VCF-style: chr10-43615538-C-T.
Other names: c.2617C>T, p.Arg873Trp (NM_000323.2, NM_001406743.1, NM_001406744.1 and 4 more transcripts); c.1855C>T, p.Arg619Trp (NM_001355216.2); c.2488C>T, p.Arg830Trp (NM_001406761.1, NM_001406762.1, NM_001406764.1); c.2482C>T, p.Arg828Trp (NM_001406763.1, NM_001406765.1); c.2329C>T, p.Arg777Trp (NM_001406766.1, NM_001406767.1, NM_001406770.1); c.2353C>T, p.Arg785Trp (NM_001406768.1); c.2221C>T, p.Arg741Trp (NM_001406769.1, NM_001406772.1); c.2179C>T, p.Arg727Trp (NM_001406771.1, NM_001406773.1); and 10 more; short protein forms R390W, R438W, R478W, R529W, R531W, R534W, R543W, R574W.
Identifiers: ClinVar variation 2443064 (VCV002443064.4), dbSNP rs1838178513, ClinGen allele CA376556992.

ClinVar aggregate classification (germline): Likely pathogenic. Review status: criteria provided, multiple submitters, no conflicts (2 of 4 stars). 3 submissions from 3 submitters: Likely pathogenic (3). Last evaluated 2023-05-18.

Conditions:
Hirschsprung disease, susceptibility to, 1 (HSCR1). Also called: RET-Related Hirschsprung Disease. Identifiers: Orphanet 388, MedGen C3888239, MONDO:0007723, OMIM 142623.
Hereditary cancer-predisposing syndrome. Also called: Hereditary Cancer Syndrome; Neoplastic Syndromes, Hereditary; Tumor predisposition; Hereditary neoplastic syndrome. Identifiers: Orphanet 140162, MedGen C0027672, MeSH D009386, MONDO:0015356.
RET-related disorder. Also called: RET-related disorders; RET-related condition; RET-related disease.

Submissions (3):

Ambry Genetics
Classification: Likely pathogenic for Hereditary cancer-predisposing syndrome. Last evaluated: 2023-05-18. Review status: criteria provided, single submitter. Criteria: Ambry Variant Classification Scheme 2023. Collection method: clinical testing. Allele origin: germline.
Comment: The p.R873W variant (also known as c.2617C>T), located in coding exon 15 of the RET gene, results from a C to T substitution at nucleotide position 2617. The arginine at codon 873 is replaced by tryptophan, an amino acid with dissimilar properties. This variant is located in the tyrosine kinase domain of the RET gene and based on internal structural analysis is anticipated to result in a decrease in structural stability (Knowles PP et al. J Biol Chem. 2006 Nov;281:33577-87; Subbiah V et al. Ann Oncol. 2021 Feb;32:261-268). This amino acid position is highly conserved in available vertebrate species. In addition, this alteration is predicted to be deleterious by in silico analysis. This variant is considered to be rare based on population cohorts in the Genome Aggregation Database (gnomAD). Based on the supporting evidence, this alteration is likely pathogenic for Hirschsprung disease; however, the association of this alteration with MEN2 is unknown.

Johns Hopkins Genomics, Johns Hopkins University
Classification: Likely pathogenic for Hirschsprung disease, susceptibility to, 1. Last evaluated: 2022-11-09. Review status: criteria provided, single submitter. Criteria: ACMG Guidelines, 2015. Collection method: clinical testing. Allele origin: germline.
Comment: This RET variant is absent from a large population dataset and has not been reported in ClinVar. It has been reported in the literature as a somatic genetic change in sequencing studies of different cancers, but it has not been reported previously as a germline variant. Two bioinformatic tools queried predict that this substitution would be damaging, and the arginine residue at this position is strongly conserved across vertebrate species assessed. Bioinformatic analysis predicts that this missense variant would not affect normal exon 15 splicing, although this has not been confirmed experimentally to our knowledge. This substitution (p.Arg873Trp) occurs in the protein tyrosine kinase domain of the RET protein (amino acids 724-1016) where other Hirschsprung disease-associated variants are localized. We consider c.2617C>T to be likely pathogenic.

Blueprint Genetics
Classification: Likely pathogenic for RET-related disorders. Last evaluated: 2021-03-18. Review status: criteria provided, single submitter. Criteria: ACMG Guidelines, 2015. Collection method: clinical testing. Allele origin: germline. Affected: yes. Observed: 3 variant alleles.

Literature cited by the submitters: PubMed 16928683 (cited by Ambry Genetics); PubMed 33161056 (cited by Ambry Genetics); PubMed 18252215 (cited by Johns Hopkins Genomics, Johns Hopkins University); PubMed 21995290 (cited by Johns Hopkins Genomics, Johns Hopkins University); PubMed 24267509 (cited by Johns Hopkins Genomics, Johns Hopkins University); PubMed 27717313 (cited by Johns Hopkins Genomics, Johns Hopkins University); PubMed 31666091 (cited by Johns Hopkins Genomics, Johns Hopkins University).